The following is an entry in ClinVar:

ClinVar aggregate classification (germline): Uncertain significance. Review status: criteria provided, multiple submitters, no conflicts (2 of 4 stars). 2 submissions from 2 submitters: Uncertain significance (2). Last evaluated 2024-10-17.

Conditions:
Baller-Gerold syndrome (BGS). Also called: CRANIOSYNOSTOSIS WITH RADIAL DEFECTS. Identifiers: Orphanet 1225, MedGen C0265308, MONDO:0009039, OMIM 218600.
Inborn genetic diseases. Identifiers: MedGen C0950123, MeSH D030342.

Allele frequency attached by ClinVar (database versions not stated): gnomAD exomes below 0.00001; gnomAD 0.00001 and 0.00002; TOPMed 0.00001.
gnomAD v4.1: 7 of 1,612,140 alleles (0.00043%); highest among the groups gnomAD compares: African/African-American, 0.0027%; no homozygotes.

Submissions (2):

Ambry Genetics
Classification: Uncertain significance for Inborn genetic diseases. Last evaluated: 2024-10-17. Review status: criteria provided, single submitter. Criteria: Ambry Variant Classification Scheme 2023. Collection method: clinical testing. Allele origin: germline.
Comment: The p.I553M variant (also known as c.1659A>G), located in coding exon 10 of the RECQL4 gene, results from an A to G substitution at nucleotide position 1659. The isoleucine at codon 553 is replaced by methionine, an amino acid with highly similar properties. This amino acid position is conserved. In addition, this alteration is predicted to be tolerated by in silico analysis. Based on the available evidence, the clinical significance of this variant remains unclear.

Labcorp Genetics (formerly Invitae), Labcorp
Classification: Uncertain significance for Baller-Gerold syndrome. Last evaluated: 2023-11-24. Review status: criteria provided, single submitter. Criteria: Invitae Variant Classification Sherloc (09022015). Collection method: clinical testing. Allele origin: germline.
Comment: This sequence change replaces isoleucine, which is neutral and non-polar, with methionine, which is neutral and non-polar, at codon 553 of the RECQL4 protein (p.Ile553Met). The frequency data for this variant in the population databases is considered unreliable, as metrics indicate poor data quality at this position in the gnomAD database. This variant has not been reported in the literature in individuals affected with RECQL4-related conditions. ClinVar contains an entry for this variant (Variation ID: 856065). Advanced modeling of protein sequence and biophysical properties (such as structural, functional, and spatial information, amino acid conservation, physicochemical variation, residue mobility, and thermodynamic stability) performed at Invitae indicates that this missense variant is not expected to disrupt RECQL4 protein function with a negative predictive value of 80%. In summary, the available evidence is currently insufficient to determine the role of this variant in disease. Therefore, it has been classified as a Variant of Uncertain Significance.

NM_004260.4(RECQL4):c.1659A>G (p.Ile553Met)

Gene: RECQL4 (RecQ like helicase 4; minus strand). Cytogenetic location: 8q24.3.
Variant type: single nucleotide variant.
Coding change: c.1659A>G on transcript NM_004260.4 (MANE Select); coding-DNA position 1659, A replaced by G.
Protein change: p.Ile553Met; replaces isoleucine 553 with methionine.
Molecular consequence: missense variant.
Genome position (GRCh38, 1-based): chr8:144,514,487, T>C on the plus strand (A>G on the coding strand, the complement: RECQL4 is on the minus strand). VCF-style: chr8-144514487-T-C. GRCh37 (hg19) VCF-style: chr8-145739871-T-C.
Other names: short protein forms I553M.
Identifiers: ClinVar variation 856065 (VCV000856065.7), dbSNP rs1034720495, ClinGen allele CA187685591.